The following is an entry in ClinVar:

NM_003560.4(PLA2G6):c.1506G>C (p.Lys502Asn)

Gene: PLA2G6 (phospholipase A2 group VI; minus strand). Cytogenetic location: 22q13.1.
Variant type: single nucleotide variant.
Coding change: c.1506G>C on transcript NM_003560.4 (MANE Select); coding-DNA position 1506, G replaced by C.
Protein change: p.Lys502Asn; replaces lysine 502 with asparagine.
Molecular consequence: missense variant.
Genome position (GRCh38, 1-based): chr22:38,123,180, C>G on the plus strand (G>C on the coding strand, the complement: PLA2G6 is on the minus strand). VCF-style: chr22-38123180-C-G. GRCh37 (hg19) VCF-style: chr22-38519187-C-G.
Other names: NM_003560.4(PLA2G6):c.1506G>C; p.Lys502Asn; c.1344G>C, p.Lys448Asn (NM_001004426.3, NM_001199562.3, NM_001349865.2 and 1 more transcripts); c.1506G>C, p.Lys502Asn (NM_001349864.2); c.972G>C, p.Lys324Asn (NM_001349867.2); c.828G>C, p.Lys276Asn (NM_001349868.2); c.810G>C, p.Lys270Asn (NM_001349869.2); short protein forms K502N, K448N, K276N, K324N, K270N.
Identifiers: ClinVar variation 436320 (VCV000436320.13), dbSNP rs1555988382, ClinGen allele CA411527942.

ClinVar aggregate classification (germline): Conflicting classifications of pathogenicity. Review status: criteria provided, conflicting classifications (1 of 4 stars). 7 submissions from 7 submitters: Likely pathogenic (3); Uncertain significance (4). Last evaluated 2025-04-30.

Conditions:
Infantile neuroaxonal dystrophy (NBIA2A). Also called: SEITELBERGER DISEASE; Infantile neuroaxonal dystrophy 1; NEURODEGENERATION WITH BRAIN IRON ACCUMULATION 2A. Identifiers: Orphanet 35069, MedGen C0270724, MONDO:0024457, OMIM 256600.
Neurodegeneration with brain iron accumulation 2B. Also called: NEUROAXONAL DYSTROPHY, ATYPICAL; NEURODEGENERATION WITH BRAIN IRON ACCUMULATION, PLA2G6-RELATED; aNAD; atypical Neuroaxonal Dystrophy (aNAD). Identifiers: Orphanet 35069, MedGen C1857747, MONDO:0012444, OMIM 610217.
PLA2G6-associated neurodegeneration (PLAN). Also called: phospholipase A2-associated neurodegeneration. Identifiers: Orphanet 329303, MedGen CN204472, MONDO:0017998.
Adult onset neurodegenerative disorder.

Allele frequency attached by ClinVar (database versions not stated): gnomAD exomes 0.00002.
gnomAD v4.1: 34 of 1,552,368 alleles (0.0022%); highest among the groups gnomAD compares: Non-Finnish European, 0.0029%; no homozygotes.

Submissions (7):

Broad Center for Mendelian Genomics, Broad Institute of MIT and Harvard
Classification: Uncertain significance for PLA2G6-associated neurodegeneration. Last evaluated: 2025-04-30. Review status: criteria provided, single submitter. Criteria: ACMG Guidelines, 2015. Collection method: curation. Allele origin: germline. Inheritance: Autosomal recessive inheritance.
Comment: The p.Lys502Asn variant in PLA2G6 has been reported in 3 individuals with PLA2G6-associated neurodegeneration (PMID: 16783378, 29915382, 18799783), and has been identified in 0.003% (33/1147958) of European (non-Finnish) chromosomes by the Genome Aggregation Database (gnomAD; dbSNP ID: rs370691849). Although this variant has been seen in the general population in a heterozygous state, its frequency is low enough to be consistent with a recessive carrier frequency. This variant has also been reported in ClinVar (VCV000436320.10) and has been interpreted as likely pathogenic by Genetic Services Laboratory (University of Chicago) and GeneDx, and a variant of uncertain significance by Baylor Genetics and Women's Health and Genetics/Laboratory Corporation of America. Of the 3 affected individuals, 1 was a compound heterozygote that carried a reported pathogenic variant with unknown phase, which increases the likelihood that the p.Lys502Asn variant is pathogenic (VCV000159749.25; PMID: 18799783). Computational prediction tools and conservation analyses do not provide strong support for or against an impact to the protein. In summary, the clinical significance of the p.Lys502Asn variant is uncertain. ACMG/AMP Criteria applied: PM2_supporting, PM3_supporting (Richards 2015).

Labcorp Genetics (formerly Invitae), Labcorp
Classification: Uncertain significance for Infantile neuroaxonal dystrophy. Last evaluated: 2024-12-17. Review status: criteria provided, single submitter. Criteria: Invitae Variant Classification Sherloc (09022015). Collection method: clinical testing. Allele origin: germline.
Comment: This sequence change replaces lysine, which is basic and polar, with asparagine, which is neutral and polar, at codon 502 of the PLA2G6 protein (p.Lys502Asn). This variant is not present in population databases (gnomAD no frequency). This missense change has been observed in individual(s) with clinical features of infantile neuroaxonal dystrophy (PMID: 16783378, 29915382). ClinVar contains an entry for this variant (Variation ID: 436320). Invitae Evidence Modeling of protein sequence and biophysical properties (such as structural, functional, and spatial information, amino acid conservation, physicochemical variation, residue mobility, and thermodynamic stability) indicates that this missense variant is not expected to disrupt PLA2G6 protein function with a negative predictive value of 80%. In summary, the available evidence is currently insufficient to determine the role of this variant in disease. Therefore, it has been classified as a Variant of Uncertain Significance.

Cambridge Genomics Laboratory, East Genomic Laboratory Hub, NHS Genomic Medicine Service
Classification: Likely pathogenic for Adult onset neurodegenerative disorder. Last evaluated: 2023-12-12. Review status: criteria provided, single submitter. Criteria: ACGS Best Practice Guidelines for Variant Classification in Rare Disease 2020. Collection method: clinical testing. Allele origin: germline. Affected: yes.
Comment: The p.Lys502Asn variant is novel (not in any individuals) in gnomAD All. The p.Lys502Asn variant is novel (not in any individuals) in 1kG All. The p.Lys502Asn variant is novel (not in any individuals) in gnomAD Genomes v3 All. (PM2 - Moderate) | 6 variants within 6 amino acid positions of the variant p.Lys502Asn have been shown to be pathogenic, while none have been shown to be benign. (PM1_Supporting - Supporting) | The variant is observed in trans (in a compound heterozygous state) with another pathogenic variant. (PM3 - Moderate) | The variant was observed in gene where an existing pathogenic variant explains disorder. (BP2 - Supporting)

GeneDx
Classification: Likely pathogenic. Last evaluated: 2023-10-30. Review status: criteria provided, single submitter. Criteria: GeneDx Variant Classification Process June 2021. Collection method: clinical testing. Allele origin: germline. Affected: yes.
Comment: Not observed at significant frequency in large population cohorts (gnomAD); In silico analysis supports that this missense variant does not alter protein structure/function; This variant is associated with the following publications: (PMID: 32357911, 18799783, 29915382, 16783378)

Women's Health and Genetics/Laboratory Corporation of America, LabCorp
Classification: Uncertain significance. Last evaluated: 2023-10-26. Review status: criteria provided, single submitter. Criteria: LabCorp Variant Classification Summary - May 2015. Collection method: clinical testing. Allele origin: germline.
Comment: Variant summary: PLA2G6 c.1506G>C (p.Lys502Asn) results in a non-conservative amino acid change located in the patatin-like phospholipase domain (IPR002641) of the encoded protein sequence. Three of five in-silico tools predict a benign effect of the variant on protein function. The variant was absent in 158944 control chromosomes (gnomAD). The available data on variant occurrences in the general population are insufficient to allow any conclusion about variant significance. c.1506G>C has been reported in the literature as a compound heterozygous genotype in at least two individuals affected with classical infantile neuroaxonal dystrophy (e.g. Morgan_2006, Gregory_2008). However, it has also been reported in a child who underwent WES for an ataxia of unknown etiology who was found to have a nonsense variant in trans and an exon 3-6 deletion in cis with the variant, providing possible evidence for a benign role (Sun_2019). These data do not allow any conclusion about variant significance. To our knowledge, no experimental evidence demonstrating an impact on protein function has been reported. The following publications have been ascertained in the context of this evaluation (PMID: 18799783, 16783378, 29915382). Two submitters have cited clinical-significance assessments for this variant to ClinVar after 2014. One submitter classified the variant as likely pathogenic, and one submitter classified the variant as uncertain significance. Based on the evidence outlined above, the variant was classified as uncertain significance.

Baylor Genetics
Classification: Uncertain significance for Infantile neuroaxonal dystrophy. Last evaluated: 2020-02-28. Review status: criteria provided, single submitter. Criteria: ACMG Guidelines, 2015. Collection method: clinical testing. Allele origin: unknown. Affected: yes.
Comment: This variant was determined to be of uncertain significance according to ACMG Guidelines, 2015 [PMID:25741868].

Genetic Services Laboratory, University of Chicago
Classification: Likely pathogenic for Neurodegeneration with brain iron accumulation 2B. Last evaluated: 2016-07-20. Review status: criteria provided, single submitter. Criteria: ACMG Guidelines, 2015. Collection method: clinical testing. Allele origin: germline. Affected: yes.

Literature cited by the submitters: PubMed 16783378 (cited by 3 submitters); PubMed 29915382 (cited by 3 submitters); PubMed 18799783 (cited by Broad Center for Mendelian Genomics, Broad Institute of MIT and Harvard and Women's Health and Genetics/Laboratory Corporation of America, LabCorp).